The following is an entry in ClinVar:

ClinVar aggregate classification (germline): Uncertain significance (1 of 4 stars; one submission).

Conditions:
Gastrointestinal stromal tumor. Also called: Gastrointestinal stromal tumor, somatic; Gastrointestinal stroma tumor. Identifiers: Orphanet 44890, MedGen C0238198, MeSH D046152, MONDO:0011719, OMIM 606764, HP:0100723.

Submission:

Labcorp Genetics (formerly Invitae), Labcorp
Classification: Uncertain significance for Gastrointestinal stromal tumor. Last evaluated: 2020-07-24. Review status: criteria provided, single submitter. Criteria: Invitae Variant Classification Sherloc (09022015). Collection method: clinical testing. Allele origin: germline.
Comment: This sequence change replaces alanine with proline at codon 940 of the KIT protein (p.Ala940Pro). The alanine residue is moderately conserved and there is a small physicochemical difference between alanine and proline. In summary, the available evidence is currently insufficient to determine the role of this variant in disease. Therefore, it has been classified as a Variant of Uncertain Significance. Algorithms developed to predict the effect of missense changes on protein structure and function are either unavailable or do not agree on the potential impact of this missense change (SIFT: "Deleterious"; PolyPhen-2: "Benign"; Align-GVGD: "Class C0"). This variant has not been reported in the literature in individuals with KIT-related conditions. This variant is not present in population databases (ExAC no frequency).

NM_000222.3(KIT):c.2818G>C (p.Ala940Pro)

Gene: KIT (KIT proto-oncogene, receptor tyrosine kinase; plus strand). Cytogenetic location: 4q12.
Variant type: single nucleotide variant.
Coding change: c.2818G>C on transcript NM_000222.3 (MANE Select); coding-DNA position 2818, G replaced by C.
Protein change: p.Ala940Pro; replaces alanine 940 with proline.
Molecular consequence: missense variant.
Genome position (GRCh38, 1-based): chr4:54,738,444, G>C. VCF-style: chr4-54738444-G-C. GRCh37 (hg19) VCF-style: chr4-55604610-G-C.
Other names: c.2806G>C, p.Ala936Pro (NM_001093772.2, NM_001385292.1); c.2821G>C, p.Ala941Pro (NM_001385284.1); c.2815G>C, p.Ala939Pro (NM_001385285.1); c.2803G>C, p.Ala935Pro (NM_001385286.1); c.2809G>C, p.Ala937Pro (NM_001385288.1); c.2818G>C, p.Ala940Pro (NM_001385290.1); short protein forms A935P, A936P, A937P, A939P, A940P, A941P.
Identifiers: ClinVar variation 1004678 (VCV001004678.9), dbSNP rs1723051919, ClinGen allele CA356915777.